The following is an entry in ClinVar:

ClinVar aggregate classification (germline): Uncertain significance. Review status: criteria provided, multiple submitters, no conflicts (2 of 4 stars). 2 submissions from 2 submitters: Uncertain significance (2). Last evaluated 2024-12-19.

Conditions:
Nail-patella syndrome (NPS). Also called: ONYCHOOSTEODYSPLASIA; TURNER-KIESER SYNDROME; FONG DISEASE. Identifiers: Orphanet 2614, MedGen C0027341, MONDO:0008061, OMIM 161200.

Allele frequency attached by ClinVar (database versions not stated): gnomAD exomes below 0.00001; TOPMed below 0.00001; gnomAD 0.00001.
gnomAD v4.1: 4 of 1,613,974 alleles (0.00025%); highest among the groups gnomAD compares: Non-Finnish European, 0.00025%; no homozygotes.

Submissions (2):

Genomic Medicine Center of Excellence, King Faisal Specialist Hospital and Research Centre
Classification: Uncertain significance for Nail-patella syndrome. Last evaluated: 2024-12-19. Review status: criteria provided, single submitter. Criteria: ACMG Guidelines, 2015. Collection method: clinical testing. Allele origin: germline.

Labcorp Genetics (formerly Invitae), Labcorp
Classification: Uncertain significance. Last evaluated: 2024-09-05. Review status: criteria provided, single submitter. Criteria: Invitae Variant Classification Sherloc (09022015). Collection method: clinical testing. Allele origin: germline.
Comment: This sequence change replaces aspartic acid, which is acidic and polar, with asparagine, which is neutral and polar, at codon 363 of the LMX1B protein (p.Asp363Asn). This variant is not present in population databases (gnomAD no frequency). This variant has not been reported in the literature in individuals affected with LMX1B-related conditions. An algorithm developed to predict the effect of missense changes on protein structure and function (PolyPhen-2) suggests that this variant is likely to be disruptive. In summary, the available evidence is currently insufficient to determine the role of this variant in disease. Therefore, it has been classified as a Variant of Uncertain Significance.

NM_001174147.2(LMX1B):c.1108G>A (p.Asp370Asn)

Gene: LMX1B (LIM homeobox transcription factor 1 beta; plus strand). Cytogenetic location: 9q33.3.
Variant type: single nucleotide variant.
Coding change: c.1108G>A on transcript NM_001174147.2 (MANE Select); coding-DNA position 1108, G replaced by A.
Protein change: p.Asp370Asn; replaces aspartic acid 370 with asparagine.
Molecular consequence: missense variant.
Genome position (GRCh38, 1-based): chr9:126,696,350, G>A. VCF-style: chr9-126696350-G-A. GRCh37 (hg19) VCF-style: chr9-129458629-G-A.
Other names: c.1120G>A, p.Asp374Asn (NM_001174146.2); c.1087G>A, p.Asp363Asn (NM_002316.4); short protein forms D363N, D374N, D370N.
Identifiers: ClinVar variation 2776723 (VCV002776723.4), dbSNP rs78770531, ClinGen allele CA199816960.